The following is an entry in ClinVar:

NM_001011658.4(TRAPPC2):c.223T>A (p.Phe75Ile)

Genes: OFD1 (OFD1 centriole and centriolar satellite protein; plus strand), TRAPPC2 (trafficking protein particle complex subunit 2; minus strand). Cytogenetic location: Xp22.2.
Variant type: single nucleotide variant.
Coding change: c.223T>A on transcript NM_001011658.4 (MANE Select); coding-DNA position 223, T replaced by A.
Protein change: p.Phe75Ile; replaces phenylalanine 75 with isoleucine.
Molecular consequence: missense variant.
Genome position (GRCh38, 1-based): chrX:13,716,549, A>T on the plus strand (T>A on the coding strand, the complement: TRAPPC2 is on the minus strand). VCF-style: chrX-13716549-A-T. GRCh37 (hg19) VCF-style: chrX-13734668-A-T.
Other names: c.325T>A, p.Phe109Ile (NM_001128835.3); c.223T>A, p.Phe75Ile (NM_014563.6); short protein forms F75I, F109I.
Identifiers: ClinVar variation 2034288 (VCV002034288.4), dbSNP rs2518618757, ClinGen allele CA412325695.

ClinVar aggregate classification (germline): Uncertain significance (1 of 4 stars; one submission).

Submission:

Labcorp Genetics (formerly Invitae), Labcorp
Classification: Uncertain significance. Last evaluated: 2022-10-05. Review status: criteria provided, single submitter. Criteria: Invitae Variant Classification Sherloc (09022015). Collection method: clinical testing. Allele origin: germline.
Comment: This variant has not been reported in the literature in individuals affected with TRAPPC2-related conditions. This variant is not present in population databases (gnomAD no frequency). This sequence change replaces phenylalanine, which is neutral and non-polar, with isoleucine, which is neutral and non-polar, at codon 75 of the TRAPPC2 protein (p.Phe75Ile). Algorithms developed to predict the effect of missense changes on protein structure and function are either unavailable or do not agree on the potential impact of this missense change (SIFT: "Deleterious"; PolyPhen-2: "Possibly Damaging"; Align-GVGD: "Class C0"). In summary, the available evidence is currently insufficient to determine the role of this variant in disease. Therefore, it has been classified as a Variant of Uncertain Significance.